The following is an entry in ClinVar:

ClinVar aggregate classification (germline): Uncertain significance (1 of 4 stars; one submission).

gnomAD v4.1: 4 of 1,614,114 alleles (0.00025%); highest among the groups gnomAD compares: Non-Finnish European, 0.00025%; no homozygotes.

Submission:

Labcorp Genetics (formerly Invitae), Labcorp
Classification: Uncertain significance. Last evaluated: 2025-02-28. Review status: criteria provided, single submitter. Criteria: Invitae Variant Classification Sherloc (09022015). Collection method: clinical testing. Allele origin: germline.
Comment: This sequence change replaces glutamine, which is neutral and polar, with histidine, which is basic and polar, at codon 1068 of the KANK1 protein (p.Gln1068His). This variant is present in population databases (no rsID available, gnomAD 0.0009%). This variant has not been reported in the literature in individuals affected with KANK1-related conditions. Invitae Evidence Modeling of protein sequence and biophysical properties (such as structural, functional, and spatial information, amino acid conservation, physicochemical variation, residue mobility, and thermodynamic stability) indicates that this missense variant is not expected to disrupt KANK1 protein function with a negative predictive value of 80%. In summary, the available evidence is currently insufficient to determine the role of this variant in disease. Therefore, it has been classified as a Variant of Uncertain Significance.

NM_015158.5(KANK1):c.3204G>C (p.Gln1068His)

Gene: KANK1 (KN motif and ankyrin repeat domains 1; plus strand). Cytogenetic location: 9p24.3.
Variant type: single nucleotide variant.
Coding change: c.3204G>C on transcript NM_015158.5 (MANE Select); coding-DNA position 3204, G replaced by C.
Protein change: p.Gln1068His; replaces glutamine 1068 with histidine.
Molecular consequence: missense variant. On other transcripts: intron variant (6).
Genome position (GRCh38, 1-based): chr9:732,576, G>C. VCF-style: chr9-732576-G-C. GRCh37 (hg19) VCF-style: chr9-732576-G-C.
Other names: c.3204G>C, p.Gln1068His (NM_001256876.3, NM_001256877.3, NM_001354334.2 and 1 more transcripts); c.3150G>C, p.Gln1050His (NM_001354332.2); c.2730G>C, p.Gln910His (NM_001354333.2, NM_001354335.2, NM_001354337.2 and 2 more transcripts); c.2676G>C, p.Gln892His (NM_001354338.2, NM_001354340.2, NM_001354344.2); c.3005+1310G>C (NM_001354331.2); c.2477+1310G>C (NM_001354336.2, NM_001438411.1); c.2531+1310G>C (NM_001354339.2, NM_001354343.2, NM_001354342.2); short protein forms Q1050H, Q892H, Q910H, Q1068H.
Identifiers: ClinVar variation 4702470 (VCV004702470.1).